The following is an entry in ClinVar:

NM_000238.4(KCNH2):c.1282T>C (p.Ser428Pro)

Gene: KCNH2 (potassium voltage-gated channel subfamily H member 2; minus strand). Cytogenetic location: 7q36.1.
Variant type: single nucleotide variant.
Coding change: c.1282T>C on transcript NM_000238.4 (MANE Select); coding-DNA position 1282, T replaced by C.
Protein change: p.Ser428Pro; replaces serine 428 with proline.
Molecular consequence: missense variant.
Genome position (GRCh38, 1-based): chr7:150,952,700, A>G on the plus strand (T>C on the coding strand, the complement: KCNH2 is on the minus strand). VCF-style: chr7-150952700-A-G. GRCh37 (hg19) VCF-style: chr7-150649788-A-G.
Other names: p.S428P:TCG>CCG; c.262T>C, p.Ser88Pro (NM_001204798.2, NM_172057.3); c.994T>C, p.Ser332Pro (NM_001406753.1, NM_001406756.1); c.1105T>C, p.Ser369Pro (NM_001406755.1); c.982T>C, p.Ser328Pro (NM_001406757.1); c.1282T>C, p.Ser428Pro (NM_172056.3); short protein forms S428P, S88P, S369P, S328P, S332P.
Identifiers: ClinVar variation 200335 (VCV000200335.5), dbSNP rs794728368, ClinGen allele CA004400.

ClinVar aggregate classification (germline): Conflicting classifications of pathogenicity. Review status: criteria provided, conflicting classifications (1 of 4 stars). 2 submissions from 2 submitters: Likely pathogenic (1); Uncertain significance (1). Last evaluated 2023-05-16.

Conditions:
Long QT syndrome (LQTS). Identifiers: MedGen C0023976, MeSH D008133, MONDO:0002442. Disease mechanism: loss of function. Inheritance: Various modes of inheritance.

Submissions (2):

All of Us Research Program, National Institutes of Health
Classification: Uncertain significance for Long QT syndrome. Last evaluated: 2023-05-16. Review status: criteria provided, single submitter. Criteria: ACMG Guidelines, 2015. Collection method: clinical testing. Allele origin: germline. Inheritance: Autosomal dominant inheritance. Observed: 1 variant allele, 1 heterozygote.
Comment: This missense variant replaces serine with proline at codon 428 of the KCNH2 protein. Computational prediction suggests that this variant may have a deleterious impact on protein structure and function (internally defined REVEL score threshold >= 0.7, PMID: 27666373). To our knowledge, functional studies have not been reported for this variant. This variant has been reported in individuals suspected to be affected with long QT syndrome (PMID: 23631430; ClinVar SCV000234090.8). This variant has not been identified in the general population by the Genome Aggregation Database (gnomAD). The available evidence is insufficient to determine the role of this variant in disease conclusively. Therefore, this variant is classified as a Variant of Uncertain Significance.

This study involves interpretation of variants in research participants for the purpose of population health screening. Participant phenotype was not available at the time of variant classification. Additional details can be found in publication PMID: 35346344, PMCID: PMC8962531

GeneDx
Classification: Likely pathogenic. Last evaluated: 2014-03-26. Review status: criteria provided, single submitter. Criteria: GeneDx Variant Classification (06012015). Collection method: clinical testing. Allele origin: germline. Affected: yes.
Comment: p.Ser428Pro (TCG>CCG): c.1282 T>C in exon 6 of the KCNH2 (HERG) gene (NM_000238.2). Additionally, mutations affecting this same residue (S428L) and nearby residues (Y427H, Y427S, Y427C, A429P) have been reported in association with LQTS (Moss A et al, 2002; Napolitano C et al., 2005), supporting the functional importance of this residue and this region of the protein. In silico analysis predicts S428P is damaging to the protein structure/function. Furthermore, S428P was not observed in approximately 6500 individuals of European and African American ancestry in the NHLBI Exome Sequencing Project, indicating it is not a common benign variant in these populations. In summary, S428P in the KCNH2 gene is interpreted as a likely disease-causing mutation. The variant is found in LQT, ARRHYTHMIA panel(s).

Literature cited by the submitters: PubMed 23631430 (cited by All of Us Research Program, National Institutes of Health).